The following is an entry in ClinVar:

NM_001211.6(BUB1B):c.2658G>T (p.Arg886Ser)

Gene: BUB1B (BUB1 mitotic checkpoint serine/threonine kinase B; plus strand). Cytogenetic location: 15q15.1.
Variant type: single nucleotide variant.
Coding change: c.2658G>T on transcript NM_001211.6 (MANE Select); coding-DNA position 2658, G replaced by T.
Protein change: p.Arg886Ser; replaces arginine 886 with serine.
Molecular consequence: missense variant.
Genome position (GRCh38, 1-based): chr15:40,213,454, G>T. VCF-style: chr15-40213454-G-T. GRCh37 (hg19) VCF-style: chr15-40505655-G-T.
Other names: short protein forms R886S.
Identifiers: ClinVar variation 861782 (VCV000861782.14), dbSNP rs146821149, ClinGen allele CA391686542.

ClinVar aggregate classification (germline): Uncertain significance. Review status: criteria provided, multiple submitters, no conflicts (2 of 4 stars). 2 submissions from 2 submitters: Uncertain significance (2). Last evaluated 2025-03-22.

Conditions:
Inborn genetic diseases. Identifiers: MedGen C0950123, MeSH D030342.
Mosaic variegated aneuploidy syndrome 1 (MVA1). Also called: Warburton-Anyane-Yeboa syndrome. Identifiers: Orphanet 1052, MedGen C1850343, MONDO:0009759, OMIM 257300.

Allele frequency attached by ClinVar (database versions not stated): TOPMed 0.00002.
gnomAD v4.1: 7 of 1,614,106 alleles (0.00043%); highest among the groups gnomAD compares: East Asian, 0.0089%; no homozygotes.

Submissions (2):

Labcorp Genetics (formerly Invitae), Labcorp
Classification: Uncertain significance for Mosaic variegated aneuploidy syndrome 1. Last evaluated: 2025-03-22. Review status: criteria provided, single submitter. Criteria: Invitae Variant Classification Sherloc (09022015). Collection method: clinical testing. Allele origin: germline.
Comment: This sequence change replaces arginine, which is basic and polar, with serine, which is neutral and polar, at codon 886 of the BUB1B protein (p.Arg886Ser). This variant is present in population databases (no rsID available, gnomAD 0.01%). This variant has not been reported in the literature in individuals affected with BUB1B-related conditions. ClinVar contains an entry for this variant (Variation ID: 861782). An algorithm developed to predict the effect of missense changes on protein structure and function outputs the following: PolyPhen-2: "Benign". The serine amino acid residue is found in multiple mammalian species, which suggests that this missense change does not adversely affect protein function. In summary, the available evidence is currently insufficient to determine the role of this variant in disease. Therefore, it has been classified as a Variant of Uncertain Significance.

Ambry Genetics
Classification: Uncertain significance for Inborn genetic diseases. Last evaluated: 2024-04-14. Review status: criteria provided, single submitter. Criteria: Ambry Variant Classification Scheme 2023. Collection method: clinical testing. Allele origin: germline.
Comment: The p.R886S variant (also known as c.2658G>T), located in coding exon 20 of the BUB1B gene, results from a G to T substitution at nucleotide position 2658. The arginine at codon 886 is replaced by serine, an amino acid with dissimilar properties. This amino acid position is conserved. In addition, this alteration is predicted to be tolerated by in silico analysis. Since supporting evidence is limited at this time, the clinical significance of this alteration remains unclear.